The following is an entry in ClinVar:

ClinVar aggregate classification (germline): Uncertain significance (1 of 4 stars; one submission).

Allele frequency attached by ClinVar (database versions not stated): ESP Exome Variant Server 0.00008.
gnomAD v4.1: 84 of 1,607,312 alleles (0.0052%); highest among the groups gnomAD compares: Non-Finnish European, 0.0063%; no homozygotes.

Submission:

CeGaT Center for Human Genetics Tuebingen
Classification: Uncertain significance. Last evaluated: 2022-07-01. Review status: criteria provided, single submitter. Criteria: CeGaT Center For Human Genetics Tuebingen Variant Classification Criteria Version 2. Collection method: clinical testing. Allele origin: germline. Affected: yes. Observed: 1 variant allele.
Comment: FGF8: PM2:Supporting, PP3

NM_033163.5(FGF8):c.655C>T (p.Arg219Cys)

Gene: FGF8 (fibroblast growth factor 8; minus strand). Cytogenetic location: 10q24.32.
Variant type: single nucleotide variant.
Coding change: c.655C>T on transcript NM_033163.5 (MANE Select); coding-DNA position 655, C replaced by T.
Protein change: p.Arg219Cys; replaces arginine 219 with cysteine.
Molecular consequence: missense variant.
Genome position (GRCh38, 1-based): chr10:101,770,409, G>A on the plus strand (C>T on the coding strand, the complement: FGF8 is on the minus strand). VCF-style: chr10-101770409-G-A. GRCh37 (hg19) VCF-style: chr10-103530166-G-A.
Other names: c.343C>T, p.Arg115Cys (NM_001206389.2); c.568C>T, p.Arg190Cys (NM_006119.6); c.622C>T, p.Arg208Cys (NM_033164.4); c.535C>T, p.Arg179Cys (NM_033165.5); short protein forms R115C, R179C, R190C, R208C, R219C.
Identifiers: ClinVar variation 2640772 (VCV002640772.24), dbSNP rs138682882, ClinGen allele CA5657536.